The following is an entry in ClinVar:

ClinVar aggregate classification (germline): Uncertain significance. Review status: criteria provided, multiple submitters, no conflicts (2 of 4 stars). 3 submissions from 3 submitters: Uncertain significance (3). Last evaluated 2026-06-16.

Conditions:
LOXL3-related disorder. Also called: LOXL3-related condition.

Allele frequency attached by ClinVar (database versions not stated): ESP Exome Variant Server 0.00015.
gnomAD v4.1: 89 of 1,613,962 alleles (0.0055%); highest among the groups gnomAD compares: Non-Finnish European, 0.0075%; no homozygotes.

Submissions (3):

PreventionGenetics, part of Exact Sciences
Classification: Uncertain significance for LOXL3-related condition. Last evaluated: 2026-06-16. Review status: criteria provided, single submitter. Criteria: ACMG Guidelines, 2015. Collection method: clinical testing. Allele origin: germline.
Comment: The LOXL3 c.442C>A variant is predicted to result in the amino acid substitution p.Arg148Ser. To our knowledge, this variant has not been reported in the literature. This variant is reported in 0.0053% of alleles in individuals of European (Non-Finnish) descent in gnomAD. At this time, the clinical significance of this variant is uncertain due to the absence of conclusive functional and genetic evidence.

Ambry Genetics
Classification: Uncertain significance. Last evaluated: 2025-06-22. Review status: criteria provided, single submitter. Criteria: Ambry Variant Classification Scheme 2023. Collection method: clinical testing. Allele origin: germline.

Labcorp Genetics (formerly Invitae), Labcorp
Classification: Uncertain significance. Last evaluated: 2022-04-09. Review status: criteria provided, single submitter. Criteria: Invitae Variant Classification Sherloc (09022015). Collection method: clinical testing. Allele origin: germline.
Comment: This sequence change replaces arginine, which is basic and polar, with serine, which is neutral and polar, at codon 148 of the LOXL3 protein (p.Arg148Ser). This variant is present in population databases (rs373321712, gnomAD 0.006%). This variant has not been reported in the literature in individuals affected with LOXL3-related conditions. Algorithms developed to predict the effect of missense changes on protein structure and function (SIFT, PolyPhen-2, Align-GVGD) all suggest that this variant is likely to be disruptive. In summary, the available evidence is currently insufficient to determine the role of this variant in disease. Therefore, it has been classified as a Variant of Uncertain Significance.

NM_032603.5(LOXL3):c.442C>A (p.Arg148Ser)

Genes: DOK1 (docking protein 1; plus strand), LOXL3 (lysyl oxidase like 3; minus strand). Cytogenetic location: 2p13.1.
Variant type: single nucleotide variant.
Coding change: c.442C>A on transcript NM_032603.5 (MANE Select); coding-DNA position 442, C replaced by A.
Protein change: p.Arg148Ser; replaces arginine 148 with serine.
Molecular consequence: missense variant. On other transcripts: intron variant (1).
Genome position (GRCh38, 1-based): chr2:74,550,220, G>T on the plus strand (C>A on the coding strand, the complement: LOXL3 is on the minus strand). VCF-style: chr2-74550220-G-T. GRCh37 (hg19) VCF-style: chr2-74777347-G-T.
Other names: c.442C>A, p.Arg148Ser (NM_001289164.3); c.-358+1048G>T (NM_001197260.2); short protein forms R148S.
Identifiers: ClinVar variation 1406785 (VCV001406785.6), dbSNP rs373321712, ClinGen allele CA1729187.
Genomic context (GRCh38, chr2:74,550,220, plus strand): 5'-GTGTGTATGTCTAGGAAATGCAGACCTCAATGACATTGGAGTCCGAGAAGCCAGGGAGGC[G>T]CTGGTCTTTGCAGATGACCCCAGCATCCTCATCGTGCGTACAGTCACTGTTCCCCCAGCC-3'
Protein context (NP_115992.1, residues 138-158): EDAGVICKDQ[Arg148Ser]LPGFSDSNVI